The following is an entry in ClinVar:

ClinVar aggregate classification (germline): Uncertain significance (1 of 4 stars; one submission).

Submission:

GeneDx
Classification: Uncertain significance. Last evaluated: 2024-05-04. Review status: criteria provided, single submitter. Criteria: GeneDx Variant Classification Process June 2021. Collection method: clinical testing. Allele origin: germline.
Comment: Reported in as a de novo variant in a large cohort study of patients with autism (PMID: 33057194); Not observed at significant frequency in large population cohorts (gnomAD); In silico analysis indicates that this missense variant does not alter protein structure/function; This variant is associated with the following publications: (PMID: 35982159, 33057194)

NM_003922.4(HERC1):c.9070G>A (p.Gly3024Ser)

Gene: HERC1 (HECT and RLD domain containing E3 ubiquitin protein ligase family member 1; minus strand). Cytogenetic location: 15q22.31.
Variant type: single nucleotide variant.
Coding change: c.9070G>A on transcript NM_003922.4 (MANE Select); coding-DNA position 9070, G replaced by A.
Protein change: p.Gly3024Ser; replaces glycine 3024 with serine.
Molecular consequence: missense variant.
Genome position (GRCh38, 1-based): chr15:63,661,853, C>T on the plus strand (G>A on the coding strand, the complement: HERC1 is on the minus strand). VCF-style: chr15-63661853-C-T. GRCh37 (hg19) VCF-style: chr15-63954052-C-T.
Other names: short protein forms G3024S.
Identifiers: ClinVar variation 2577787 (VCV002577787.2), dbSNP rs2551255231, ClinGen allele CA392761702.
Genomic context (GRCh38, chr15:63,661,853, plus strand): 5'-AGTACTTCTCCCTGCAGGTGCCACATAACAGGTAGTACGGATTTCCACTCCCACATTCAC[C>T]GCCAAACCAGCCATCCACATAGGAACCATTGCTGCGATAGCCCTGGCGGTTTGCACTGCG-3'
Protein context (NP_003913.3, residues 3014-3034): NGSYVDGWFG[Gly3024Ser]ECGSGNPYYL